The following is an entry in ClinVar:

NM_001042492.3(NF1):c.4331A>T (p.Lys1444Met)

Gene: NF1 (neurofibromin 1; plus strand). Cytogenetic location: 17q11.2.
Variant type: single nucleotide variant.
Coding change: c.4331A>T on transcript NM_001042492.3 (MANE Select); coding-DNA position 4331, A replaced by T.
Protein change: p.Lys1444Met; replaces lysine 1444 with methionine.
Molecular consequence: missense variant.
Genome position (GRCh38, 1-based): chr17:31,258,501, A>T. VCF-style: chr17-31258501-A-T. GRCh37 (hg19) VCF-style: chr17-29585519-A-T.
Other names: c.4268A>T, p.Lys1423Met (NM_000267.4); short protein forms K1423M, K1444M.
Identifiers: ClinVar variation 694609 (VCV000694609.9), dbSNP rs199474781, ClinGen allele CA398998179.
Genomic context (GRCh38, chr17:31,258,501, plus strand): 5'-CAGGGATTTTAGATAAAAAGCCACCACCTAGAATCGAAAGGGGCTTGAAGTTAATGTCAA[A>T]GGTGAATTATTTTGATAATCTAGCTATCTTAAATTCCCCTTCCAACTAAATTTTCAGCTT-3'
Protein context (NP_001035957.1, residues 1434-1454): RIERGLKLMS[Lys1444Met]ILQSIANHVL

ClinVar aggregate classification (germline): Conflicting classifications of pathogenicity. Review status: criteria provided, conflicting classifications (1 of 4 stars). 2 submissions from 2 submitters: Pathogenic (1); Uncertain significance (1). Last evaluated 2019-11-11.

Conditions:
Neurofibromatosis, type 1 (NF1). Also called: Peripheral type neurofibromatosis; Neurofibromatosis, type I; VON RECKLINGHAUSEN DISEASE; NEUROFIBROMATOSIS, TYPE I, SOMATIC. Identifiers: Orphanet 636, MedGen C0027831, MONDO:0018975, OMIM 162200. Disease mechanism: loss of function.

Allele frequency attached by ClinVar (database versions not stated): gnomAD exomes below 0.00001.
gnomAD v4.1: 1 of 1,613,696 alleles (0.000062%); highest among the groups gnomAD compares: Non-Finnish European, 0.000085%; no homozygotes.

Submissions (2):

Labcorp Genetics (formerly Invitae), Labcorp
Classification: Uncertain significance for Neurofibromatosis, type 1. Last evaluated: 2019-11-11. Review status: criteria provided, single submitter. Criteria: Invitae Variant Classification Sherloc (09022015). Collection method: clinical testing. Allele origin: germline.
Comment: This variant is not present in population databases (ExAC no frequency). This sequence change replaces lysine with methionine at codon 1423 of the NF1 protein (p.Lys1423Met). The lysine residue is moderately conserved and there is a moderate physicochemical difference between lysine and methionine. This variant disrupts the p.Lys1423 amino acid residue in NF1. Other variant(s) that disrupt this residue have been determined to be pathogenic (PMID: 1568247, 11735023, 11857752, 23244495, 16786508, 27322474). This suggests that this residue is clinically significant, and that variants that disrupt this residue are likely to be disease-causing. In summary, the available evidence is currently insufficient to determine the role of this variant in disease. Therefore, it has been classified as a Variant of Uncertain Significance. Algorithms developed to predict the effect of sequence changes on RNA splicing suggest that this variant may disrupt the consensus splice site, but this prediction has not been confirmed by published transcriptional studies. This variant has been reported to affect NF1 protein function (PMID: 1587809). This variant has been observed in individual(s) with clinical features of neurofibromatosis type 1 (PMID: 29618358).

UAB Medical Genomics Laboratory, UAB Medicine
Classification: Pathogenic for Neurofibromatosis, type 1. Last evaluated: 2019-06-05. Review status: criteria provided, single submitter. Criteria: ACMG Guidelines, 2015. Collection method: clinical testing. Allele origin: de novo. Affected: yes.

Literature cited by the submitters: PubMed 1568247 (cited by Labcorp Genetics (formerly Invitae), Labcorp); PubMed 11735023 (cited by Labcorp Genetics (formerly Invitae), Labcorp); PubMed 11857752 (cited by Labcorp Genetics (formerly Invitae), Labcorp); PubMed 23244495 (cited by Labcorp Genetics (formerly Invitae), Labcorp); PubMed 16786508 (cited by Labcorp Genetics (formerly Invitae), Labcorp); PubMed 27322474 (cited by Labcorp Genetics (formerly Invitae), Labcorp); PubMed 1587809 (cited by Labcorp Genetics (formerly Invitae), Labcorp); PubMed 29618358 (cited by Labcorp Genetics (formerly Invitae), Labcorp); PubMed 31595648 (cited by UAB Medical Genomics Laboratory, UAB Medicine); PubMed 29290338 (cited by UAB Medical Genomics Laboratory, UAB Medicine).